The following is an entry in ClinVar:

ClinVar aggregate classification (germline): Uncertain significance (1 of 4 stars; one submission).

Conditions:
Severe early-onset pulmonary alveolar proteinosis due to MARS deficiency. Also called: PULMONARY ALVEOLAR PROTEINOSIS, REUNION ISLAND; Interstitial lung and liver disease. Identifiers: Orphanet 440427, MedGen C4225400, MONDO:0014206, OMIM 615486.
Charcot-Marie-Tooth disease axonal type 2U. Also called: CHARCOT-MARIE-TOOTH NEUROPATHY, TYPE 2U; CHARCOT-MARIE-TOOTH DISEASE, AXONAL, AUTOSOMAL DOMINANT, TYPE 2U. Identifiers: Orphanet 397735, MedGen C4084821, MONDO:0014566, OMIM 616280.

Allele frequency attached by ClinVar (database versions not stated): gnomAD exomes below 0.00001; TOPMed below 0.00001; gnomAD 0.00001.
gnomAD v4.1: 5 of 1,578,708 alleles (0.00032%); highest among the groups gnomAD compares: Non-Finnish European, 0.00043%; no homozygotes.

Submission:

Labcorp Genetics (formerly Invitae), Labcorp
Classification: Uncertain significance for Charcot-Marie-Tooth disease axonal type 2U; Severe early-onset pulmonary alveolar proteinosis due to MARS deficiency. Last evaluated: 2023-06-25. Review status: criteria provided, single submitter. Criteria: Invitae Variant Classification Sherloc (09022015). Collection method: clinical testing. Allele origin: germline.
Comment: This variant is present in population databases (no rsID available, gnomAD 0.001%). This sequence change replaces glycine, which is neutral and non-polar, with arginine, which is basic and polar, at codon 896 of the MARS protein (p.Gly896Arg). This variant has not been reported in the literature in individuals affected with MARS-related conditions. In summary, the available evidence is currently insufficient to determine the role of this variant in disease. Therefore, it has been classified as a Variant of Uncertain Significance. Experimental studies and prediction algorithms are not available or were not evaluated, and the functional significance of this variant is currently unknown.

NM_004990.4(MARS1):c.2686G>C (p.Gly896Arg)

Gene: MARS1 (methionyl-tRNA synthetase 1; plus strand). Cytogenetic location: 12q13.3.
Variant type: single nucleotide variant.
Coding change: c.2686G>C on transcript NM_004990.4 (MANE Select); coding-DNA position 2686, G replaced by C.
Protein change: p.Gly896Arg; replaces glycine 896 with arginine.
Molecular consequence: missense variant.
Genome position (GRCh38, 1-based): chr12:57,516,564, G>C. VCF-style: chr12-57516564-G-C. GRCh37 (hg19) VCF-style: chr12-57910347-G-C.
Other names: short protein forms G896R.
Identifiers: ClinVar variation 2951213 (VCV002951213.3), dbSNP rs1241922651, ClinGen allele CA385469423.